The following is an entry in ClinVar:

ClinVar aggregate classification (germline): Uncertain significance (1 of 4 stars; one submission).

Conditions:
Neurofibromatosis, type 1 (NF1). Also called: Neurofibromatosis, type I; Peripheral type neurofibromatosis; VON RECKLINGHAUSEN DISEASE; NEUROFIBROMATOSIS, TYPE I, SOMATIC. Identifiers: Orphanet 636, MedGen C0027831, MONDO:0018975, OMIM 162200. Disease mechanism: loss of function.

Submission:

Labcorp Genetics (formerly Invitae), Labcorp
Classification: Uncertain significance for Neurofibromatosis, type 1. Last evaluated: 2023-12-07. Review status: criteria provided, single submitter. Criteria: Invitae Variant Classification Sherloc (09022015). Collection method: clinical testing. Allele origin: germline.
Comment: This sequence change replaces lysine, which is basic and polar, with threonine, which is neutral and polar, at codon 200 of the NF1 protein (p.Lys200Thr). This variant is not present in population databases (gnomAD no frequency). This variant has not been reported in the literature in individuals affected with NF1-related conditions. ClinVar contains an entry for this variant (Variation ID: 2015229). Advanced modeling of protein sequence and biophysical properties (such as structural, functional, and spatial information, amino acid conservation, physicochemical variation, residue mobility, and thermodynamic stability) performed at Invitae indicates that this missense variant is expected to disrupt NF1 protein function with a positive predictive value of 95%. In summary, the available evidence is currently insufficient to determine the role of this variant in disease. Therefore, it has been classified as a Variant of Uncertain Significance.

NM_001042492.3(NF1):c.599A>C (p.Lys200Thr)

Gene: NF1 (neurofibromin 1; plus strand). Cytogenetic location: 17q11.2.
Variant type: single nucleotide variant.
Coding change: c.599A>C on transcript NM_001042492.3 (MANE Select); coding-DNA position 599, A replaced by C.
Protein change: p.Lys200Thr; replaces lysine 200 with threonine.
Molecular consequence: missense variant.
Genome position (GRCh38, 1-based): chr17:31,181,434, A>C. VCF-style: chr17-31181434-A-C. GRCh37 (hg19) VCF-style: chr17-29508452-A-C.
Other names: c.599A>C, p.Lys200Thr (NM_000267.4, NM_001128147.3); short protein forms K200T.
Identifiers: ClinVar variation 2015229 (VCV002015229.4), dbSNP rs1597658055, ClinGen allele CA398989243.